The following is an entry in ClinVar:

ClinVar aggregate classification (germline): Uncertain significance (1 of 4 stars; one submission).

Allele frequency attached by ClinVar (database versions not stated): gnomAD exomes below 0.00001.
gnomAD v4.1: 1 of 1,614,222 alleles (0.000062%); highest among the groups gnomAD compares: South Asian, 0.0011%; no homozygotes.

Submission:

CeGaT Center for Human Genetics Tuebingen
Classification: Uncertain significance. Last evaluated: 2022-05-01. Review status: criteria provided, single submitter. Criteria: CeGaT Center For Human Genetics Tuebingen Variant Classification Criteria Version 2. Collection method: clinical testing. Allele origin: germline. Affected: yes. Observed: 1 variant allele.
Comment: SIN3A: PM2, PP2, BP4

NM_001145358.2(SIN3A):c.3463A>G (p.Thr1155Ala)

Gene: SIN3A (SIN3 transcription regulator family member A; minus strand). Cytogenetic location: 15q24.2.
Variant type: single nucleotide variant.
Coding change: c.3463A>G on transcript NM_001145358.2 (MANE Select); coding-DNA position 3463, A replaced by G.
Protein change: p.Thr1155Ala; replaces threonine 1155 with alanine.
Molecular consequence: missense variant.
Genome position (GRCh38, 1-based): chr15:75,375,793, T>C on the plus strand (A>G on the coding strand, the complement: SIN3A is on the minus strand). VCF-style: chr15-75375793-T-C. GRCh37 (hg19) VCF-style: chr15-75668134-T-C.
Other names: c.3463A>G, p.Thr1155Ala (NM_001145357.2, NM_015477.3); short protein forms T1155A.
Identifiers: ClinVar variation 2645557 (VCV002645557.24), dbSNP rs2072842923, ClinGen allele CA393485811.